The following is an entry in ClinVar:

ClinVar aggregate classification (germline): Uncertain significance (1 of 4 stars; one submission).

Allele frequency attached by ClinVar (database versions not stated): TOPMed below 0.00001.
gnomAD v4.1: 1 of 1,613,476 alleles (0.000062%); highest among the groups gnomAD compares: Non-Finnish European, 0.000085%; no homozygotes.

Submission:

Labcorp Genetics (formerly Invitae), Labcorp
Classification: Uncertain significance. Last evaluated: 2022-12-27. Review status: criteria provided, single submitter. Criteria: Invitae Variant Classification Sherloc (09022015). Collection method: clinical testing. Allele origin: germline.
Comment: In summary, the available evidence is currently insufficient to determine the role of this variant in disease. Therefore, it has been classified as a Variant of Uncertain Significance. Algorithms developed to predict the effect of sequence changes on RNA splicing suggest that this variant may create or strengthen a splice site. This variant has not been reported in the literature in individuals affected with CACNA1E-related conditions. This variant is not present in population databases (gnomAD no frequency). This sequence change affects codon 702 of the CACNA1E mRNA. It is a 'silent' change, meaning that it does not change the encoded amino acid sequence of the CACNA1E protein.

NM_001205293.3(CACNA1E):c.2106T>A (p.Ala702=)

Gene: CACNA1E (calcium voltage-gated channel subunit alpha1 E; plus strand). Cytogenetic location: 1q25.3.
Variant type: single nucleotide variant.
Coding change: c.2106T>A on transcript NM_001205293.3 (MANE Select); coding-DNA position 2106, T replaced by A.
Protein change: p.Ala702=; no amino-acid change (alanine 702 retained).
Molecular consequence: synonymous variant.
Genome position (GRCh38, 1-based): chr1:181,724,501, T>A. VCF-style: chr1-181724501-T-A. GRCh37 (hg19) VCF-style: chr1-181693637-T-A.
Other names: c.2106T>A, p.Ala702= (NM_000721.4, NM_001205294.2).
Identifiers: ClinVar variation 2974584 (VCV002974584.3), dbSNP rs1654707390, ClinGen allele CA422073251.